The following is an entry in ClinVar:

NM_018359.5(UFSP2):c.1026A>G (p.Ala342=)

Gene: UFSP2 (UFM1 specific peptidase 2; minus strand). Cytogenetic location: 4q35.1.
Variant type: single nucleotide variant.
Coding change: c.1026A>G on transcript NM_018359.5 (MANE Select); coding-DNA position 1026, A replaced by G.
Protein change: p.Ala342=; no amino-acid change (alanine 342 retained).
Molecular consequence: synonymous variant. On other transcripts: non-coding transcript variant (2).
Genome position (GRCh38, 1-based): chr4:185,408,031, T>C on the plus strand (A>G on the coding strand, the complement: UFSP2 is on the minus strand). VCF-style: chr4-185408031-T-C. GRCh37 (hg19) VCF-style: chr4-186329185-T-C.
Identifiers: ClinVar variation 3352814 (VCV003352814.1).
Genomic context (GRCh38, chr4:185,408,031, plus strand): 5'-TTGGTTTAGTACCAGCTGCACCTCAATAGATCCAATCCATTGCCGCGATCCGACAAATGT[T>C]GCTGGTTTGTCCCCGGCATCGACTAGAGCCTTGATGTATTTAAAAATATAAAACATCCAT-3'
Protein context (NP_060829.2, residues 332-352): QALVDAGDKP[Ala342=]TFVGSRQWIG

ClinVar aggregate classification (germline): Likely benign (0 of 4 stars; one submission).

Conditions:
UFSP2-related disorder. Also called: UFSP2-related condition.

Submission:

PreventionGenetics, part of Exact Sciences
Classification: Likely benign for UFSP2-related condition. Last evaluated: 2019-03-12. Review status: no assertion criteria provided. Collection method: clinical testing. Allele origin: germline.
Comment: This variant is classified as likely benign based on ACMG/AMP sequence variant interpretation guidelines (Richards et al. 2015 PMID: 25741868, with internal and published modifications).